The following is an entry in ClinVar:

NC_000012.11:g.(?_88471559)_(88471893_?)del

Gene: CEP290 (centrosomal protein 290; minus strand). Cytogenetic location: 12q21.32.
Variant type: Deletion.
Identifiers: ClinVar variation 3244267 (VCV003244267.1).

ClinVar aggregate classification (germline): Likely pathogenic (1 of 4 stars; one submission).

Conditions:
Joubert syndrome. Also called: CEREBELLOPARENCHYMAL DISORDER IV; JOUBERT-BOLTSHAUSER SYNDROME; Familial aplasia of the vermis. Identifiers: Orphanet 475, MedGen C5979921, MONDO:0018772.
Nephronophthisis. Also called: Juvenile Nephronophthisis. Identifiers: Orphanet 655, MedGen C0687120, MONDO:0019005, HP:0000090.
Meckel-Gruber syndrome. Also called: DYSENCEPHALIA SPLANCHNOCYSTICA; GRUBER SYNDROME; Dysencephalia splachnocystica. Identifiers: Orphanet 564, MedGen C0265215, MONDO:0018921.

Submission:

Labcorp Genetics (formerly Invitae), Labcorp
Classification: Likely pathogenic for Joubert syndrome; Meckel-Gruber syndrome; Nephronophthisis. Last evaluated: 2020-09-21. Review status: criteria provided, single submitter. Criteria: Invitae Variant Classification Sherloc (09022015). Collection method: clinical testing. Allele origin: unknown.
Comment: This variant results in the deletion of part of exon 40 (c.5365-198_5501del) of the CEP290 gene. It is expected to disrupt RNA splicing and likely results in an absent or disrupted protein product. This variant has not been reported in the literature in individuals with CEP290-related conditions. Loss-of-function variants in CEP290 are known to be pathogenic (PMID: 16909394, 17345604, 20690115, 25377065, 28559085). In summary, the currently available evidence indicates that the variant is pathogenic, but additional data are needed to prove that conclusively. Therefore, this variant has been classified as Likely Pathogenic.

Literature cited by the submitters: PubMed 16909394; PubMed 17345604; PubMed 20690115; PubMed 25377065; PubMed 28559085.